The following is an entry in ClinVar:

NM_015295.3(SMCHD1):c.1030C>T (p.Arg344Ter)

Gene: SMCHD1 (structural maintenance of chromosomes flexible hinge domain containing 1; plus strand). Cytogenetic location: 18p11.32.
Variant type: single nucleotide variant.
Coding change: c.1030C>T on transcript NM_015295.3 (MANE Select); coding-DNA position 1030, C replaced by T.
Protein change: p.Arg344Ter; replaces arginine 344 with a stop codon.
Molecular consequence: nonsense.
Genome position (GRCh38, 1-based): chr18:2,694,683, C>T. VCF-style: chr18-2694683-C-T. GRCh37 (hg19) VCF-style: chr18-2694681-C-T.
Other names: short protein forms R344*.
Identifiers: ClinVar variation 280772 (VCV000280772.12), dbSNP rs886041918, ClinGen allele CA10603333.

ClinVar aggregate classification (germline): Pathogenic. Review status: criteria provided, multiple submitters, no conflicts (2 of 4 stars). 4 submissions from 4 submitters: Pathogenic (4). Last evaluated 2025-08-13.

Conditions:
Facioscapulohumeral muscular dystrophy 2 (FSHD2). Also called: FACIOSCAPULOHUMERAL MUSCULAR DYSTROPHY 2, DIGENIC; FSHD2, DIGENIC; MUSCULAR DYSTROPHY, FACIOSCAPULOHUMERAL, TYPE 1B. Identifiers: Orphanet 269, MedGen C1834671, MONDO:0008031, OMIM 158901.

Allele frequency attached by ClinVar (database versions not stated): gnomAD exomes below 0.00001; TOPMed below 0.00001.
gnomAD v4.1: 1 of 1,610,154 alleles (0.000062%); highest among the groups gnomAD compares: Non-Finnish European, 0.000085%; no homozygotes.

Submissions (4):

Variantyx, Inc.
Classification: Pathogenic for Facioscapulohumeral muscular dystrophy 2. Last evaluated: 2025-08-13. Review status: criteria provided, single submitter. Criteria: Variantyx Assertion Criteria 2022. Collection method: clinical testing. Allele origin: de novo. Inheritance: Autosomal unknown. Affected: no.
Comment: This is a nonsense variant in the SMCHD1 gene (OMIM: 614982). Pathogenic variants in this gene have been associated with digenic facioscapulohumeral muscular dystrophy 2. This variant introduces a premature termination codon in exon 8 out of 48 and is expected to result in loss of function, which is a known disease mechanism for SMCHD1 in this disorder (PMID: 25370034, 28067909) (PVS1). It likely occurred de novo in individuals reported in the published literature; however, the possibility of parental germline mosaicism cannot be excluded (PMID: 25256356) (PS2_Supporting). It has a 0.0001% maximum allele frequency in non-founder control populations (PM2). Based on the current evidence, this variant is classified as pathogenic for facioscapulohumeral muscular dystrophy 2, digenic.

Baylor Genetics
Classification: Pathogenic for Facioscapulohumeral muscular dystrophy 2. Last evaluated: 2023-08-04. Review status: criteria provided, single submitter. Criteria: ACMG Guidelines, 2015. Collection method: clinical testing. Allele origin: unknown.

Labcorp Genetics (formerly Invitae), Labcorp
Classification: Pathogenic for Facioscapulohumeral muscular dystrophy 2. Last evaluated: 2019-01-29. Review status: criteria provided, single submitter. Criteria: Invitae Variant Classification Sherloc (09022015). Collection method: clinical testing. Allele origin: germline.
Comment: For these reasons, this variant has been classified as Pathogenic. Loss-of-function variants in SMCHD1 are known to be pathogenic (PMID: 23143600). This variant has not been reported in the literature in individuals with SMCHD1-related disease. ClinVar contains an entry for this variant (Variation ID: 280772). This variant is not present in population databases (ExAC no frequency). This sequence change creates a premature translational stop signal (p.Arg344*) in the SMCHD1 gene. It is expected to result in an absent or disrupted protein product.

GeneDx
Classification: Pathogenic. Last evaluated: 2016-08-12. Review status: criteria provided, single submitter. Criteria: GeneDx Variant Classification (06012015). Collection method: clinical testing. Allele origin: germline. Affected: yes.
Comment: The R344X variant in the SMCHD1 gene has been reported previously as a de novo pathogenic variant in an individual with FSHD2 (Lemmers et al., 2015). This variant is predicted to cause loss of normal protein function either through protein truncation or nonsense-mediated mRNA decay. The R344X variant was not observed in approximately 6,000 individuals of European and African American ancestry in the NHLBI Exome Sequencing Project, indicating it is not a common benign variant in these populations. We interpret R344X as a pathogenic variant

Literature cited by the submitters: PubMed 25256356 (cited by Variantyx, Inc.); PubMed 25370034 (cited by Variantyx, Inc.); PubMed 28067909 (cited by Variantyx, Inc.); PubMed 23143600 (cited by Labcorp Genetics (formerly Invitae), Labcorp).